The following is an entry in ClinVar:

ClinVar aggregate classification (germline): Uncertain significance (1 of 4 stars; one submission).

Submission:

Labcorp Genetics (formerly Invitae), Labcorp
Classification: Uncertain significance. Last evaluated: 2022-09-01. Review status: criteria provided, single submitter. Criteria: Invitae Variant Classification Sherloc (09022015). Collection method: clinical testing. Allele origin: germline.
Comment: This variant has not been reported in the literature in individuals affected with SPEG-related conditions. This sequence change replaces aspartic acid, which is acidic and polar, with glycine, which is neutral and non-polar, at codon 2555 of the SPEG protein (p.Asp2555Gly). This variant is not present in population databases (gnomAD no frequency). Algorithms developed to predict the effect of missense changes on protein structure and function output the following: SIFT: "Deleterious"; PolyPhen-2: "Benign"; Align-GVGD: "Class C0". The glycine amino acid residue is found in multiple mammalian species, which suggests that this missense change does not adversely affect protein function. In summary, the available evidence is currently insufficient to determine the role of this variant in disease. Therefore, it has been classified as a Variant of Uncertain Significance.

NM_005876.5(SPEG):c.7664A>G (p.Asp2555Gly)

Genes: ASIC4-AS1 (ASIC4 antisense RNA 1; minus strand), SPEG (striated muscle enriched protein kinase; plus strand). Cytogenetic location: 2q35.
Variant type: single nucleotide variant.
Coding change: c.7664A>G on transcript NM_005876.5 (MANE Select); coding-DNA position 7664, A replaced by G.
Protein change: p.Asp2555Gly; replaces aspartic acid 2555 with glycine.
Molecular consequence: missense variant.
Genome position (GRCh38, 1-based): chr2:219,485,400, A>G. VCF-style: chr2-219485400-A-G. GRCh37 (hg19) VCF-style: chr2-220350122-A-G.
Other names: short protein forms D2555G.
Identifiers: ClinVar variation 1965875 (VCV001965875.5), dbSNP rs913637011, ClinGen allele CA65993444.